The following is an entry in ClinVar:

ClinVar aggregate classification (germline): Likely benign (1 of 4 stars; one submission).

Submission:

CeGaT Center for Human Genetics Tuebingen
Classification: Likely benign. Last evaluated: 2025-05-01. Review status: criteria provided, single submitter. Criteria: CeGaT Center For Human Genetics Tuebingen Variant Classification Criteria Version 2. Collection method: clinical testing. Allele origin: germline. Affected: yes. Observed: 1 variant allele.
Comment: HOXD11: PM2:Supporting, BP4, BP7

NM_021192.3(HOXD11):c.114G>T (p.Pro38=)

Gene: HOXD11 (homeobox D11; plus strand). Cytogenetic location: 2q31.1.
Variant type: single nucleotide variant.
Coding change: c.114G>T on transcript NM_021192.3 (MANE Select); coding-DNA position 114, G replaced by T.
Protein change: p.Pro38=; no amino-acid change (proline 38 retained).
Molecular consequence: synonymous variant.
Genome position (GRCh38, 1-based): chr2:176,107,469, G>T. VCF-style: chr2-176107469-G-T. GRCh37 (hg19) VCF-style: chr2-176972197-G-T.
Identifiers: ClinVar variation 3905953 (VCV003905953.10).